The following is an entry in ClinVar:

NM_001243177.4(ALDOA):c.364G>A (p.Asp122Asn)

Genes: ALDOA (aldolase, fructose-bisphosphate A; plus strand), LOC112694756 (uncharaterized LOC112694756; plus strand). Cytogenetic location: 16p11.2.
Variant type: single nucleotide variant.
Coding change: c.364G>A on transcript NM_001243177.4 (MANE Select); coding-DNA position 364, G replaced by A.
Protein change: p.Asp122Asn; replaces aspartic acid 122 with asparagine.
Molecular consequence: missense variant. On other transcripts: 3 prime UTR variant (3).
Genome position (GRCh38, 1-based): chr16:30,067,539, G>A. VCF-style: chr16-30067539-G-A. GRCh37 (hg19) VCF-style: chr16-30078860-G-A.
Other names: NM_000034.3:c.202G>A; c.*711G>A (NM_001365304.2, NM_001365305.2, NM_001365307.2); c.202G>A, p.Asp68Asn (NM_001127617.2, NM_184041.5, NM_184043.2); short protein forms D68N, D122N.
Identifiers: ClinVar variation 2709201 (VCV002709201.4), dbSNP rs201468609, ClinGen allele CA8000896.

ClinVar aggregate classification (germline): Likely benign. Review status: criteria provided, multiple submitters, no conflicts (2 of 4 stars). 2 submissions from 2 submitters: Likely benign (2). Last evaluated 2026-06-18.

Conditions:
HNSHA due to aldolase A deficiency (GSD12). Also called: GLYCOGEN STORAGE DISEASE XII; RED CELL ALDOLASE DEFICIENCY; GSD XII; Glycogen storage disease due to aldolase A deficiency. Identifiers: Orphanet 57, MedGen C0272066, MONDO:0012747, OMIM 611881.
ALDOA-related disorder. Also called: ALDOA-related condition.

Allele frequency attached by ClinVar (database versions not stated): gnomAD 0.00011; ESP Exome Variant Server 0.00015; ExAC 0.00020; 1000 Genomes Project 0.00040; 1000 Genomes Project 30x 0.00047.
gnomAD v4.1: 157 of 1,613,834 alleles (0.0097%); highest among the groups gnomAD compares: East Asian, 0.33%; no homozygotes.

Submissions (2):

PreventionGenetics, part of Exact Sciences
Classification: Likely benign for ALDOA-related condition. Last evaluated: 2026-06-18. Review status: criteria provided, single submitter. Criteria: ACMG Guidelines, 2015. Collection method: clinical testing. Allele origin: germline.
Comment: This variant is classified as likely benign based on ACMG/AMP sequence variant interpretation guidelines (Richards et al. 2015 PMID: 25741868, with internal and published modifications).

Labcorp Genetics (formerly Invitae), Labcorp
Classification: Likely benign for HNSHA due to aldolase A deficiency. Last evaluated: 2025-11-09. Review status: criteria provided, single submitter. Criteria: Invitae Variant Classification Sherloc (09022015). Collection method: clinical testing. Allele origin: germline.